The following is an entry in ClinVar:

NM_000064.4(C3):c.1243C>G (p.Pro415Ala)

Gene: C3 (complement C3; minus strand). Cytogenetic location: 19p13.3.
Variant type: single nucleotide variant.
Coding change: c.1243C>G on transcript NM_000064.4 (MANE Select); coding-DNA position 1243, C replaced by G.
Protein change: p.Pro415Ala; replaces proline 415 with alanine.
Molecular consequence: missense variant.
Genome position (GRCh38, 1-based): chr19:6,712,283, G>C on the plus strand (C>G on the coding strand, the complement: C3 is on the minus strand). VCF-style: chr19-6712283-G-C. GRCh37 (hg19) VCF-style: chr19-6712294-G-C.
Other names: short protein forms P415A.
Identifiers: ClinVar variation 4280286 (VCV004280286.1).
Genomic context (GRCh38, chr19:6,712,283, plus strand): 5'-AGTGATGGGGTTCCGAGGCTGGGCCCAGACGCACCGTGATGCTCAAGGGCTTCTGGCTGG[G>C]GTGTGTGTTGATGCTGAGTTTGGCCACGCCATCTCCCTGGGTTAGAGACTGCACAGTGTC-3'
Protein context (NP_000055.2, residues 405-425): GVAKLSINTH[Pro415Ala]SQKPLSITVR

ClinVar aggregate classification (germline): Uncertain significance (1 of 4 stars; one submission).

Conditions:
Complement component 3 deficiency. Identifiers: Orphanet 280133, MedGen C3151071, MONDO:0013417, OMIM 613779.
C3 glomerulonephritis. Also called: Nephropathy due to CFHR5 Deficiency; C3 GLOMERULOPATHY 3. Identifiers: Orphanet 329931, MedGen C4055342, MONDO:0013892, OMIM 614809.
Atypical hemolytic-uremic syndrome. Identifiers: Orphanet 2134, MedGen C2931788, MONDO:0016244.

Submission:

Genomenon, Inc
Classification: Uncertain significance for Complement component 3 deficiency; C3 glomerulonephritis; Atypical hemolytic-uremic syndrome. Last evaluated: 2025-09-30. Review status: criteria provided, single submitter. Criteria: Genomenon Sequence Variant Interpretation Standards. Collection method: curation. Allele origin: germline. Affected: no.
Comment: C3 p.Pro415Ala (c.1243C>G) is a missense variant that changes the amino acid at residue 415 from Proline to Alanine. This variant has been reported in the published literature (PMID:20589629). It is absent or not present at a significant frequency in gnomAD. In silico models agree that this variant is not damaging. In conclusion, we classify C3 p.Pro415Ala (c.1243C>G) as a variant of unknown significance.

Literature cited by the submitters: PubMed 20589629.